The following is an entry in ClinVar:

ClinVar aggregate classification (germline): Uncertain significance. Review status: criteria provided, multiple submitters, no conflicts (2 of 4 stars). 2 submissions from 2 submitters: Uncertain significance (2). Last evaluated 2024-06-18.

Conditions:
Autosomal dominant nonsyndromic hearing loss 36. Identifiers: Orphanet 90635, MedGen C1847626, MONDO:0011708, OMIM 606705.

Allele frequency attached by ClinVar (database versions not stated): TOPMed below 0.00001; gnomAD exomes 0.00001; ExAC 0.00002.
gnomAD v4.1: 5 of 1,613,458 alleles (0.00031%); highest among the groups gnomAD compares: Non-Finnish European, 0.00042%; no homozygotes.

Submissions (2):

Women's Health and Genetics/Laboratory Corporation of America, LabCorp
Classification: Uncertain significance. Last evaluated: 2024-06-18. Review status: criteria provided, single submitter. Criteria: LabCorp Variant Classification Summary - May 2015. Collection method: clinical testing. Allele origin: germline.
Comment: Variant summary: TMC1 c.1256T>C (p.Phe419Ser) results in a non-conservative amino acid change in the encoded protein sequence. Five of five in-silico tools predict a damaging effect of the variant on protein function. The variant allele was found at a frequency of 1.2e-05 in 251356 control chromosomes. c.1256T>C has been reported in the literature in a setting of exome sequencing in heterozygous individuals from one family affected with autosomal dominant progressive sensorineural hearing loss, with the variant showing segregation with disease (e.g. Cho_2023). These data indicate that the variant may be associated with disease. One publication reports experimental evidence evaluating an impact on protein function, however, does not allow convincing conclusions about the variant effect. The following publication has been ascertained in the context of this evaluation (PMID: 38066485). ClinVar contains an entry for this variant (Variation ID: 1895419). Based on the evidence outlined above, the variant was classified as VUS-possibly pathogenic.

Laboratory of Otorhinolaryngology, Head and Neck Surgery, Seoul National University Hospital
Classification: Uncertain significance for Autosomal dominant nonsyndromic hearing loss 36. Last evaluated: 2023-01-17. Review status: criteria provided, single submitter. Criteria: ACMG Guidelines, 2015. Collection method: clinical testing. Allele origin: germline. Affected: yes.

Literature cited by the submitters: PubMed 38066485 (cited by Women's Health and Genetics/Laboratory Corporation of America, LabCorp).

NM_138691.3(TMC1):c.1256T>C (p.Phe419Ser)

Gene: TMC1 (transmembrane channel like 1; plus strand). Cytogenetic location: 9q21.13.
Variant type: single nucleotide variant.
Coding change: c.1256T>C on transcript NM_138691.3 (MANE Select); coding-DNA position 1256, T replaced by C.
Protein change: p.Phe419Ser; replaces phenylalanine 419 with serine.
Molecular consequence: missense variant.
Genome position (GRCh38, 1-based): chr9:72,791,917, T>C. VCF-style: chr9-72791917-T-C. GRCh37 (hg19) VCF-style: chr9-75406833-T-C.
Other names: short protein forms F419S.
Identifiers: ClinVar variation 1895419 (VCV001895419.4), dbSNP rs760645934, ClinGen allele CA5081911.